The following is an entry in ClinVar:

NM_152309.3(PIK3AP1):c.1765C>T (p.Pro589Ser)

Gene: PIK3AP1 (phosphoinositide-3-kinase adaptor protein 1; minus strand). Cytogenetic location: 10q24.1.
Variant type: single nucleotide variant.
Coding change: c.1765C>T on transcript NM_152309.3 (MANE Select); coding-DNA position 1765, C replaced by T.
Protein change: p.Pro589Ser; replaces proline 589 with serine.
Molecular consequence: missense variant.
Genome position (GRCh38, 1-based): chr10:96,620,528, G>A on the plus strand (C>T on the coding strand, the complement: PIK3AP1 is on the minus strand). VCF-style: chr10-96620528-G-A. GRCh37 (hg19) VCF-style: chr10-98380285-G-A.
Other names: c.1765C>T (NM_152309.2); short protein forms P589S.
Identifiers: ClinVar variation 2195324 (VCV002195324.5), dbSNP rs756599355, ClinGen allele CA5626158.

ClinVar aggregate classification (germline): Uncertain significance. Review status: criteria provided, multiple submitters, no conflicts (2 of 4 stars). 2 submissions from 2 submitters: Uncertain significance (2). Last evaluated 2025-07-08.

Conditions:
Infantile spasms. Also called: Infantile spasm. Identifiers: MedGen C3887898, HP:0012469.

Allele frequency attached by ClinVar (database versions not stated): ExAC 0.00003; gnomAD exomes 0.00004; TOPMed 0.00006.
gnomAD v4.1: 55 of 1,613,158 alleles (0.0034%); highest among the groups gnomAD compares: Admixed American, 0.005%; no homozygotes.

Submissions (2):

Labcorp Genetics (formerly Invitae), Labcorp
Classification: Uncertain significance for Infantile spasms. Last evaluated: 2025-07-08. Review status: criteria provided, single submitter. Criteria: Invitae Variant Classification Sherloc (09022015). Collection method: clinical testing. Allele origin: germline.
Comment: This sequence change replaces proline, which is neutral and non-polar, with serine, which is neutral and polar, at codon 589 of the PIK3AP1 protein (p.Pro589Ser). This variant is present in population databases (rs756599355, gnomAD 0.006%). This variant has not been reported in the literature in individuals affected with PIK3AP1-related conditions. ClinVar contains an entry for this variant (Variation ID: 2195324). An algorithm developed to predict the effect of missense changes on protein structure and function (PolyPhen-2) suggests that this variant is likely to be tolerated. In summary, the available evidence is currently insufficient to determine the role of this variant in disease. Therefore, it has been classified as a Variant of Uncertain Significance.

Ambry Genetics
Classification: Uncertain significance. Last evaluated: 2024-05-23. Review status: criteria provided, single submitter. Criteria: Ambry Variant Classification Scheme 2023. Collection method: clinical testing. Allele origin: germline.